The following is an entry in ClinVar:

NM_007294.4(BRCA1):c.5156T>C (p.Val1719Ala)

Gene: BRCA1 (BRCA1 DNA repair associated; minus strand). Cytogenetic location: 17q21.31.
Variant type: single nucleotide variant.
Coding change: c.5156T>C on transcript NM_007294.4 (MANE Select); coding-DNA position 5156, T replaced by C.
Protein change: p.Val1719Ala; replaces valine 1719 with alanine.
Molecular consequence: missense variant. On other transcripts: non-coding transcript variant (1).
Genome position (GRCh38, 1-based): chr17:43,063,370, A>G on the plus strand (T>C on the coding strand, the complement: BRCA1 is on the minus strand). VCF-style: chr17-43063370-A-G. GRCh37 (hg19) VCF-style: chr17-41215387-A-G.
Other names: c.4943T>C, p.Val1648Ala (NM_001407571.1, NM_001407900.1, NM_001407902.1 and 12 more transcripts); c.5222T>C, p.Val1741Ala (NM_001407581.1, NM_001407582.1); c.5219T>C, p.Val1740Ala (NM_001407583.1, NM_001407585.1, NM_001407587.1 and 1 more transcripts); c.5153T>C, p.Val1718Ala (NM_001407610.1, NM_001407611.1, NM_001407612.1 and 17 more transcripts); c.5150T>C, p.Val1717Ala (NM_001407629.1, NM_001407630.1, NM_001407631.1 and 14 more transcripts); c.5096T>C, p.Val1699Ala (NM_001407649.1); c.5078T>C, p.Val1693Ala (NM_001407652.1, NM_001407653.1, NM_001407654.1 and 1 more transcripts); c.5075T>C, p.Val1692Ala (NM_001407656.1, NM_001407657.1, NM_001407658.1); and 72 more; short protein forms V1672A, V615A, V1719A, V1740A, V1590A, V1592A, V1606A, V1608A.
Identifiers: ClinVar variation 652310 (VCV000652310.17), dbSNP rs1247437511, ClinGen allele CA10591230.
Genomic context (GRCh38, chr17:43,063,370, plus strand): 5'-AGTTTGTAACATCAAGTACTTACCTCATTCAGCATTTTTCTTTCTTTAATAGACTGGGTC[A>G]CCCCTAAAGAGATCATAGAAAAGACAGGTTACATACAGCAGAAGAACGTGCTCTTTTCAC-3'
Protein context (NP_009225.1, residues 1709-1729): GGKWVVSYFW[Val1719Ala]TQSIKERKML

ClinVar aggregate classification (germline): Uncertain significance. Review status: criteria provided, multiple submitters, no conflicts (2 of 4 stars). 3 submissions from 3 submitters: Uncertain significance (3). Last evaluated 2024-06-03.

Conditions:
Hereditary breast ovarian cancer syndrome. Also called: Hereditary breast and ovarian cancer syndrome (HBOC); Hereditary breast and ovarian cancer; BRCA1- and BRCA2-Associated Hereditary Breast and Ovarian Cancer; Breast and ovarian cancer; Hereditary breast and ovarian cancer syndrome; Hereditary breast and/or ovarian cancer syndrome. Identifiers: Orphanet 145, MedGen C0677776, MeSH D061325, MONDO:0003582. Disease mechanism: loss of function.
Hereditary cancer-predisposing syndrome. Also called: Hereditary neoplastic syndrome; Tumor predisposition; Hereditary Cancer Syndrome; Neoplastic Syndromes, Hereditary. Identifiers: Orphanet 140162, MedGen C0027672, MeSH D009386, MONDO:0015356.

Submissions (4):

Labcorp Genetics (formerly Invitae), Labcorp
Classification: Uncertain significance for Hereditary breast ovarian cancer syndrome. Last evaluated: 2024-06-03. Review status: criteria provided, single submitter. Criteria: Invitae Variant Classification Sherloc (09022015). Collection method: clinical testing. Allele origin: germline.
Comment: This sequence change replaces valine, which is neutral and non-polar, with alanine, which is neutral and non-polar, at codon 1719 of the BRCA1 protein (p.Val1719Ala). This variant is not present in population databases (gnomAD no frequency). This missense change has been observed in individual(s) with bilateral breast cancer (PMID: 29805665). ClinVar contains an entry for this variant (Variation ID: 652310). Advanced modeling performed at Invitae incorporating data from internal and/or published experimental studies (PMID: 30209399) indicates that this missense variant is not expected to disrupt BRCA1 function with a negative predictive value of 95%. Experimental studies have shown that this missense change does not substantially affect BRCA1 function (PMID: 30209399). In summary, the available evidence is currently insufficient to determine the role of this variant in disease. Therefore, it has been classified as a Variant of Uncertain Significance.

Ambry Genetics
Classification: Uncertain significance for Hereditary cancer-predisposing syndrome. Last evaluated: 2024-03-25. Review status: criteria provided, single submitter. Criteria: Ambry Variant Classification Scheme 2023. Collection method: clinical testing. Allele origin: germline.
Comment: The p.V1719A variant (also known as c.5156T>C), located in coding exon 17 of the BRCA1 gene, results from a T to C substitution at nucleotide position 5156. The valine at codon 1719 is replaced by alanine, an amino acid with similar properties. One functional study found that this nucleotide substitution is functional in a high throughput genome editing haploid cell survival assay (Findlay GM et al. Nature, 2018 Oct;562:217-222). This alteration was also identified in multiple individuals diagnosed with breast cancer (Wei H et al. Oncol Lett, 2018 Jun;15:9420-9428; Wan Q et al. Fam Cancer, 2021 Apr;20:85-95). This amino acid position is highly conserved in available vertebrate species. In addition, this alteration is predicted to be deleterious by in silico analysis. Based on the available evidence, the clinical significance of this alteration remains unclear.

Breast Center, Key Laboratory of Carcinogenesis and Translational Research
Classification: Uncertain significance for Hereditary breast and ovarian cancer syndrome. Last evaluated: 2020-05-01. Review status: criteria provided, single submitter. Criteria: ACMG Guidelines, 2015. Collection method: clinical testing. Allele origin: germline. Observed: 2 variant alleles.

Brotman Baty Institute, University of Washington
No classification provided (evidence only). Condition: Breast-ovarian cancer, familial 1. Review status: no classification provided. Collection method: in vitro. Allele origin: not applicable. Functional consequence: functionally_normal. Not counted in ClinVar's aggregate classification.
ClinVar note: "not provided" was previously submitted as the classification for the variant. However, the classification appeared to be based only on an observation of functional data so it was converted to no classification on 2025-07-30.

Literature cited by the submitters: PubMed 29805665 (cited by Labcorp Genetics (formerly Invitae), Labcorp and Ambry Genetics); PubMed 30209399 (cited by 3 submitters); PubMed 32803532 (cited by Ambry Genetics).